The following is an entry in ClinVar:

ClinVar aggregate classification (germline): Uncertain significance. Review status: criteria provided, multiple submitters, no conflicts (2 of 4 stars). 2 submissions from 2 submitters: Uncertain significance (2). Last evaluated 2025-01-28.

Conditions:
Cardiovascular phenotype. Identifiers: MedGen CN230736.
Dilated cardiomyopathy 1AA (CMD1AA). Also called: Cardiomyopathy, dilated, 1AA, with or without LVNC; CARDIOMYOPATHY, DILATED, 1AA, WITH OR WITHOUT LEFT VENTRICULAR NONCOMPACTION; CARDIOMYOPATHY, FAMILIAL HYPERTROPHIC, 23, WITH OR WITHOUT LEFT VENTRICULAR NONCOMPACTION. Identifiers: Orphanet 154, MedGen C2677338, MONDO:0012808, OMIM 612158.
Primary familial hypertrophic cardiomyopathy (HCM). Identifiers: Orphanet 99739, MedGen C0949658, MeSH D024741, MONDO:0024573. Inheritance: Various modes of inheritance.

Allele frequency attached by ClinVar (database versions not stated): gnomAD exomes below 0.00001.
gnomAD v4.1: 1 of 1,609,366 alleles (0.000062%); highest among the groups gnomAD compares: Non-Finnish European, 0.000085%; no homozygotes.

Submissions (2):

Labcorp Genetics (formerly Invitae), Labcorp
Classification: Uncertain significance for Primary familial hypertrophic cardiomyopathy; Dilated cardiomyopathy 1AA. Last evaluated: 2025-01-28. Review status: criteria provided, single submitter. Criteria: Invitae Variant Classification Sherloc (09022015). Collection method: clinical testing. Allele origin: germline.
Comment: This sequence change replaces glutamic acid, which is acidic and polar, with aspartic acid, which is acidic and polar, at codon 149 of the ACTN2 protein (p.Glu149Asp). This variant is not present in population databases (gnomAD no frequency). This variant has not been reported in the literature in individuals affected with ACTN2-related conditions. ClinVar contains an entry for this variant (Variation ID: 1740870). An algorithm developed to predict the effect of missense changes on protein structure and function (PolyPhen-2) suggests that this variant is likely to be tolerated. In summary, the available evidence is currently insufficient to determine the role of this variant in disease. Therefore, it has been classified as a Variant of Uncertain Significance.

Ambry Genetics
Classification: Uncertain significance for Cardiovascular phenotype. Last evaluated: 2023-06-21. Review status: criteria provided, single submitter. Criteria: Ambry Variant Classification Scheme 2023. Collection method: clinical testing. Allele origin: germline.
Comment: The p.E149D variant (also known as c.447A>C), located in coding exon 4 of the ACTN2 gene, results from an A to C substitution at nucleotide position 447. The glutamic acid at codon 149 is replaced by aspartic acid, an amino acid with highly similar properties. This amino acid position is highly conserved in available vertebrate species. In addition, the in silico prediction for this alteration is inconclusive. Since supporting evidence is limited at this time, the clinical significance of this alteration remains unclear.

NM_001103.4(ACTN2):c.447A>C (p.Glu149Asp)

Gene: ACTN2 (actinin alpha 2; plus strand). Cytogenetic location: 1q43.
Variant type: single nucleotide variant.
Coding change: c.447A>C on transcript NM_001103.4 (MANE Select); coding-DNA position 447, A replaced by C.
Protein change: p.Glu149Asp; replaces glutamic acid 149 with aspartic acid.
Molecular consequence: missense variant. On other transcripts: 5 prime UTR variant (1).
Genome position (GRCh38, 1-based): chr1:236,720,190, A>C. VCF-style: chr1-236720190-A-C. GRCh37 (hg19) VCF-style: chr1-236883490-A-C.
Other names: c.447A>C, p.Glu149Asp (NM_001278343.2); c.-375A>C (NM_001278344.2); c.-500A>C (NM_001412150.1); short protein forms E149D.
Identifiers: ClinVar variation 1740870 (VCV001740870.7), dbSNP rs1658342868, ClinGen allele CA345374230.